The following is an entry in ClinVar:

NM_000038.6(APC):c.3083G>C (p.Ser1028Thr)

Gene: APC (APC regulator of Wnt signaling pathway; plus strand). Cytogenetic location: 5q22.2.
Variant type: single nucleotide variant.
Coding change: c.3083G>C on transcript NM_000038.6 (MANE Select); coding-DNA position 3083, G replaced by C.
Protein change: p.Ser1028Thr; replaces serine 1028 with threonine.
Molecular consequence: missense variant. On other transcripts: non-coding transcript variant (2).
Genome position (GRCh38, 1-based): chr5:112,838,677, G>C. VCF-style: chr5-112838677-G-C. GRCh37 (hg19) VCF-style: chr5-112174374-G-C.
Other names: c.3083G>C (NM_000038.5); c.3083G>C, p.Ser1028Thr (NM_001354895.2, NM_001127510.3, NM_001407450.1); c.3137G>C, p.Ser1046Thr (NM_001354896.2, NM_001407447.1, NM_001407448.1 and 1 more transcripts); c.3113G>C, p.Ser1038Thr (NM_001354897.2); c.3008G>C, p.Ser1003Thr (NM_001354898.2); c.2999G>C, p.Ser1000Thr (NM_001354899.2); c.2960G>C, p.Ser987Thr (NM_001354900.2); c.2906G>C, p.Ser969Thr (NM_001354901.2, NM_001407453.1); and 12 more; short protein forms S644T, S937T, S987T, S1000T, S1018T, S1021T, S1028T, S1046T.
Identifiers: ClinVar variation 2707987 (VCV002707987.4), dbSNP rs1114167617, ClinGen allele CA16028085.

ClinVar aggregate classification (germline): Uncertain significance. Review status: criteria provided, multiple submitters, no conflicts (2 of 4 stars). 2 submissions from 2 submitters: Uncertain significance (2). Last evaluated 2026-08-27.

Conditions:
Familial adenomatous polyposis 1 (FAP1). Also called: FAMILIAL ADENOMATOUS POLYPOSIS 1, ATTENUATED; POLYPOSIS, ADENOMATOUS INTESTINAL. Identifiers: MedGen C2713442, MONDO:0021056, OMIM 175100. Disease mechanism: loss of function.
Hereditary cancer-predisposing syndrome. Also called: Hereditary neoplastic syndrome; Hereditary Cancer Syndrome; Neoplastic Syndromes, Hereditary; Tumor predisposition. Identifiers: Orphanet 140162, MedGen C0027672, MeSH D009386, MONDO:0015356.

Submissions (2):

Ambry Genetics
Classification: Uncertain significance for Hereditary cancer-predisposing syndrome. Last evaluated: 2026-08-27. Review status: criteria provided, single submitter. Criteria: Ambry Variant Classification Scheme 2023. Collection method: clinical testing. Allele origin: germline.
Comment: The p.S1028T variant (also known as c.3083G>C), located in coding exon 15 of the APC gene, results from a G to C substitution at nucleotide position 3083. The serine at codon 1028 is replaced by threonine, an amino acid with similar properties. This amino acid position is highly conserved in available vertebrate species. In addition, in silico predictors for this gene do not accurately predict pathogenicity. Based on the available evidence, the clinical significance of this variant remains unclear.

Labcorp Genetics (formerly Invitae), Labcorp
Classification: Uncertain significance for Familial adenomatous polyposis 1. Last evaluated: 2024-01-06. Review status: criteria provided, single submitter. Criteria: Invitae Variant Classification Sherloc (09022015). Collection method: clinical testing. Allele origin: germline.
Comment: This sequence change replaces serine, which is neutral and polar, with threonine, which is neutral and polar, at codon 1028 of the APC protein (p.Ser1028Thr). This variant is not present in population databases (gnomAD no frequency). This variant has not been reported in the literature in individuals affected with APC-related conditions. Advanced modeling of protein sequence and biophysical properties (such as structural, functional, and spatial information, amino acid conservation, physicochemical variation, residue mobility, and thermodynamic stability) performed at Invitae indicates that this missense variant is not expected to disrupt APC protein function with a negative predictive value of 95%. In summary, the available evidence is currently insufficient to determine the role of this variant in disease. Therefore, it has been classified as a Variant of Uncertain Significance.